The following is an entry in ClinVar:

ClinVar aggregate classification (germline): Uncertain significance. Review status: criteria provided, multiple submitters, no conflicts (2 of 4 stars). 2 submissions from 2 submitters: Uncertain significance (2). Last evaluated 2026-05-12.

gnomAD v4.1: 1 of 1,614,074 alleles (0.000062%); highest among the groups gnomAD compares: Admixed American, 0.0017%; no homozygotes.

Submissions (2):

Ambry Genetics
Classification: Uncertain significance. Last evaluated: 2026-05-12. Review status: criteria provided, single submitter. Criteria: Ambry Variant Classification Scheme 2023. Collection method: clinical testing. Allele origin: germline.
Comment: The p.L375P variant (also known as c.1124T>C), located in coding exon 8 of the ATRIP gene, results from a T to C substitution at nucleotide position 1124. The leucine at codon 375 is replaced by proline, an amino acid with similar properties. This amino acid position is highly conserved in available vertebrate species. In addition, this alteration is predicted to be deleterious by in silico analysis. The evidence for this gene-disease relationship is limited; therefore, the clinical significance of this variant is unclear.

Labcorp Genetics (formerly Invitae), Labcorp
Classification: Uncertain significance. Last evaluated: 2025-01-18. Review status: criteria provided, single submitter. Criteria: Invitae Variant Classification Sherloc (09022015). Collection method: clinical testing. Allele origin: germline.
Comment: This sequence change replaces leucine, which is neutral and non-polar, with proline, which is neutral and non-polar, at codon 375 of the ATRIP protein (p.Leu375Pro). This variant is present in population databases (no rsID available, gnomAD 0.003%). This variant has not been reported in the literature in individuals affected with ATRIP-related conditions. An algorithm developed to predict the effect of missense changes on protein structure and function (PolyPhen-2) suggests that this variant is likely to be disruptive. In summary, the available evidence is currently insufficient to determine the role of this variant in disease. Therefore, it has been classified as a Variant of Uncertain Significance.

NM_130384.3(ATRIP):c.1124T>C (p.Leu375Pro)

Genes: ATRIP (ATR interacting protein; plus strand), ATRIP-TREX1 (ATRIP-TREX1 readthrough; plus strand). Cytogenetic location: 3p21.31.
Variant type: single nucleotide variant.
Coding change: c.1124T>C on transcript NM_130384.3 (MANE Select); coding-DNA position 1124, T replaced by C.
Protein change: p.Leu375Pro; replaces leucine 375 with proline.
Molecular consequence: missense variant. On other transcripts: non-coding transcript variant (1).
Genome position (GRCh38, 1-based): chr3:48,460,178, T>C. VCF-style: chr3-48460178-T-C. GRCh37 (hg19) VCF-style: chr3-48501577-T-C.
Other names: c.1124T>C (NM_130384.1); c.743T>C, p.Leu248Pro (NM_001271022.2); c.845T>C, p.Leu282Pro (NM_001271023.2); c.1124T>C, p.Leu375Pro (NM_032166.4); short protein forms L282P, L248P, L375P.
Identifiers: ClinVar variation 3685783 (VCV003685783.3).